The following is an entry in ClinVar:

NM_152393.4(KLHL40):c.1754+285A>G

Gene: KLHL40 (kelch like family member 40; plus strand). Cytogenetic location: 3p22.1.
Variant type: single nucleotide variant.
Coding change: c.1754+285A>G on transcript NM_152393.4 (MANE Select); 285 bases into the intron after coding-DNA position 1754, A replaced by G.
Molecular consequence: intron variant.
Genome position (GRCh38, 1-based): chr3:42,691,290, A>G. VCF-style: chr3-42691290-A-G. GRCh37 (hg19) VCF-style: chr3-42732782-A-G.
Identifiers: ClinVar variation 673613 (VCV000673613.1), dbSNP rs140870522, ClinGen allele CA74196450.
Genomic context (GRCh38, chr3:42,691,290, plus strand): 5'-GGAGCAGCAACAGTGTTGCAGATGGGAGCAGACCCAAGCTTAGGTCATAGACTCACAGAA[A>G]CAGGGCCCAAATAGCAGCCGGATTTTCTTCTCTCCTGCCTTCCGGGTGCTTGGTCTGGAG-3'

ClinVar aggregate classification (germline): Likely benign (1 of 4 stars; one submission).

Allele frequency attached by ClinVar (database versions not stated): 1000 Genomes Project 0.00519; 1000 Genomes Project 30x 0.00547; gnomAD 0.00662 and 0.00716; TOPMed 0.00780.
gnomAD v4.1: 999 of 152,256 alleles (0.66%); highest among the groups gnomAD compares: African/African-American, 2.3%; 8 homozygotes.

Submission:

GeneDx
Classification: Likely benign. Last evaluated: 2018-06-16. Review status: criteria provided, single submitter. Criteria: GeneDx Variant Classification (06012015). Collection method: clinical testing. Allele origin: germline. Affected: yes.
Comment: This variant is considered likely benign or benign based on one or more of the following criteria: it is a conservative change, it occurs at a poorly conserved position in the protein, it is predicted to be benign by multiple in silico algorithms, and/or has population frequency not consistent with disease.